The following is an entry in ClinVar:

NM_024408.4(NOTCH2):c.2321A>G (p.Asn774Ser)

Gene: NOTCH2 (notch receptor 2; minus strand). Cytogenetic location: 1p12.
Variant type: single nucleotide variant.
Coding change: c.2321A>G on transcript NM_024408.4 (MANE Select); coding-DNA position 2321, A replaced by G.
Protein change: p.Asn774Ser; replaces asparagine 774 with serine.
Molecular consequence: missense variant.
Genome position (GRCh38, 1-based): chr1:119,953,587, T>C on the plus strand (A>G on the coding strand, the complement: NOTCH2 is on the minus strand). VCF-style: chr1-119953587-T-C. GRCh37 (hg19) VCF-style: chr1-120496210-T-C.
Other names: c.2321A>G, p.Asn774Ser (NM_001200001.2); c.2321A>G (NM_024408.3); short protein forms N774S.
Identifiers: ClinVar variation 2106024 (VCV002106024.7), dbSNP rs2526252133, ClinGen allele CA341864118.

ClinVar aggregate classification (germline): Uncertain significance. Review status: criteria provided, multiple submitters, no conflicts (2 of 4 stars). 2 submissions from 2 submitters: Uncertain significance (2). Last evaluated 2025-10-29.

Conditions:
Inborn genetic diseases. Identifiers: MedGen C0950123, MeSH D030342.
Hajdu-Cheney syndrome (HJCYS). Also called: ACROOSTEOLYSIS WITH OSTEOPOROSIS AND CHANGES IN SKULL AND MANDIBLE; SERPENTINE FIBULA-POLYCYSTIC KIDNEY SYNDROME; Acroosteolysis dominant type. Identifiers: Orphanet 955, MedGen C0917715, MONDO:0007057, OMIM 102500.

gnomAD v4.1: 1 of 1,614,202 alleles (0.000062%); highest among the groups gnomAD compares: Non-Finnish European, 0.000085%; no homozygotes.

Submissions (2):

Ambry Genetics
Classification: Uncertain significance for Inborn genetic diseases. Last evaluated: 2025-10-29. Review status: criteria provided, single submitter. Criteria: Ambry Variant Classification Scheme 2023. Collection method: clinical testing. Allele origin: germline.

Labcorp Genetics (formerly Invitae), Labcorp
Classification: Uncertain significance for Hajdu-Cheney syndrome. Last evaluated: 2022-11-01. Review status: criteria provided, single submitter. Criteria: Invitae Variant Classification Sherloc (09022015). Collection method: clinical testing. Allele origin: germline.
Comment: This variant has not been reported in the literature in individuals affected with NOTCH2-related conditions. Advanced modeling of protein sequence and biophysical properties (such as structural, functional, and spatial information, amino acid conservation, physicochemical variation, residue mobility, and thermodynamic stability) performed at Invitae indicates that this missense variant is not expected to disrupt NOTCH2 protein function. In summary, the available evidence is currently insufficient to determine the role of this variant in disease. Therefore, it has been classified as a Variant of Uncertain Significance. This sequence change replaces asparagine, which is neutral and polar, with serine, which is neutral and polar, at codon 774 of the NOTCH2 protein (p.Asn774Ser). This variant is not present in population databases (gnomAD no frequency).